The following is an entry in ClinVar:

ClinVar aggregate classification (germline): Pathogenic (3 of 4 stars; one submission).

Conditions:
Breast-ovarian cancer, familial, susceptibility to, 2 (BROVCA2). Also called: BRCA2 Hereditary Breast and Ovarian Cancer. Identifiers: Orphanet 145, MedGen C2675520, MONDO:0012933, OMIM 612555. Disease mechanism: loss of function.

Submission:

Evidence-based Network for the Interpretation of Germline Mutant Alleles (ENIGMA)
Classification: Pathogenic for Breast-ovarian cancer, familial, susceptibility to, 2. Last evaluated: 2016-10-18. Review status: reviewed by expert panel. Criteria: ENIGMA BRCA1/2 Classification Criteria (2015). Collection method: curation. Allele origin: germline.
Comment: Variant allele predicted to encode a truncated non-functional protein.

NM_000059.4(BRCA2):c.8827_8828insG (p.Gln2943fs)

Gene: BRCA2 (BRCA2 DNA repair associated; plus strand). Cytogenetic location: 13q13.1.
Variant type: Insertion.
Coding change: c.8827_8828insG on transcript NM_000059.4 (MANE Select); coding-DNA positions 8827 to 8828, G inserted.
Protein change: p.Gln2943fs; shifts the reading frame from glutamine 2943.
Molecular consequence: frameshift variant.
Genome position: GRCh38 VCF-style: chr13-32379389-C-CG. GRCh37 (hg19) VCF-style: chr13-32953526-C-CG.
Other names: 9055_9056insG; short protein forms Q2943fs.
Identifiers: ClinVar variation 52688 (VCV000052688.5), dbSNP rs397508013, ClinGen allele CA025841.
Genomic context (GRCh38, chr13:32,379,389, plus strand): 5'-GAAGAGCAGTTAAGAGCCTTGAATAATCACAGGCAAATGTTGAATGATAAGAAACAAGCT[C>CG]AGATCCAGTTGGAAATTAGGAAGGCCATGGAATCTGCTGAACAAAAGGAACAAGGTTTAT-3'